The following is an entry in ClinVar:

NM_000431.4(MVK):c.254C>T (p.Ser85Leu)

Gene: MVK (mevalonate kinase; plus strand). Cytogenetic location: 12q24.11.
Variant type: single nucleotide variant.
Coding change: c.254C>T on transcript NM_000431.4 (MANE Select); coding-DNA position 254, C replaced by T.
Protein change: p.Ser85Leu; replaces serine 85 with leucine.
Molecular consequence: missense variant.
Genome position (GRCh38, 1-based): chr12:109,579,829, C>T. VCF-style: chr12-109579829-C-T. GRCh37 (hg19) VCF-style: chr12-110017634-C-T.
Other names: c.254C>T, p.Ser85Leu (NM_001114185.3, NM_001301182.2); short protein forms S85L.
Identifiers: ClinVar variation 1023895 (VCV001023895.8), dbSNP rs1885131607, ClinGen allele CA386645276.

ClinVar aggregate classification (germline): Uncertain significance (1 of 4 stars; one submission).

Conditions:
Hyperimmunoglobulin D with periodic fever (HIDS). Also called: HYPERIMMUNOGLOBULINEMIA D AND PERIODIC FEVER SYNDROME; Hyperimmunoglobulinemia D; Hyperimmunoglobulinemia D with periodic fever. Identifiers: Orphanet 343, MedGen C0398691, MONDO:0009849, OMIM 260920.
Mevalonic aciduria (MEVA). Identifiers: Orphanet 29, MedGen C1959626, MONDO:0012481, OMIM 610377.
Porokeratosis 3, disseminated superficial actinic type (POROK3). Also called: POROKERATOSIS 3, MULTIPLE TYPES; POROKERATOSIS 3, MIBELLI TYPE; POROKERATOSIS, DISSEMINATED SUPERFICIAL ACTINIC, 1. Identifiers: MedGen C1867981, MONDO:0008293, OMIM 175900.

Allele frequency attached by ClinVar (database versions not stated): gnomAD exomes below 0.00001.
gnomAD v4.1: 7 of 1,614,254 alleles (0.00043%); highest among the groups gnomAD compares: South Asian, 0.0011%; no homozygotes.

Submission:

Labcorp Genetics (formerly Invitae), Labcorp
Classification: Uncertain significance for Mevalonic aciduria; Hyperimmunoglobulin D with periodic fever; Porokeratosis 3, disseminated superficial actinic type. Last evaluated: 2022-03-19. Review status: criteria provided, single submitter. Criteria: Invitae Variant Classification Sherloc (09022015). Collection method: clinical testing. Allele origin: germline.
Comment: In summary, the available evidence is currently insufficient to determine the role of this variant in disease. Therefore, it has been classified as a Variant of Uncertain Significance. Advanced modeling of protein sequence and biophysical properties (such as structural, functional, and spatial information, amino acid conservation, physicochemical variation, residue mobility, and thermodynamic stability) performed at Invitae indicates that this missense variant is not expected to disrupt MVK protein function. ClinVar contains an entry for this variant (Variation ID: 1023895). This variant has not been reported in the literature in individuals affected with MVK-related conditions. This variant is not present in population databases (gnomAD no frequency). This sequence change replaces serine, which is neutral and polar, with leucine, which is neutral and non-polar, at codon 85 of the MVK protein (p.Ser85Leu).